The following is an entry in ClinVar:

NM_000355.4(TCN2):c.1021C>G (p.Pro341Ala)

Gene: TCN2 (transcobalamin 2; plus strand). Cytogenetic location: 22q12.2.
Variant type: single nucleotide variant.
Coding change: c.1021C>G on transcript NM_000355.4 (MANE Select); coding-DNA position 1021, C replaced by G.
Protein change: p.Pro341Ala; replaces proline 341 with alanine.
Molecular consequence: missense variant.
Genome position (GRCh38, 1-based): chr22:30,617,410, C>G. VCF-style: chr22-30617410-C-G. GRCh37 (hg19) VCF-style: chr22-31013397-C-G.
Other names: c.940C>G, p.Pro314Ala (NM_001184726.2); c.1021C>G (NM_000355.3); short protein forms P314A, P341A.
Identifiers: ClinVar variation 1061329 (VCV001061329.7), dbSNP rs746722274, ClinGen allele CA10184933.
Genomic context (GRCh38, chr22:30,617,410, plus strand): 5'-GAGACCATTCCTCAGACCCAAGAGATCATCAGTGTCACGCTGCAGGTGCTTAGTCTCTTG[C>G]CGCCGTACAGACAGTCCATCTCTGTTCTGGCCGGGTCCACCGTGGAAGATGTCCTGAAGA-3'
Protein context (NP_000346.2, residues 331-351): SVTLQVLSLL[Pro341Ala]PYRQSISVLA

ClinVar aggregate classification (germline): Uncertain significance. Review status: criteria provided, multiple submitters, no conflicts (2 of 4 stars). 2 submissions from 2 submitters: Uncertain significance (2). Last evaluated 2024-01-02.

Conditions:
Transcobalamin II deficiency (TCN2D). Also called: Transcolabamin II deficiency; TC II DEFICIENCY; TCN2 DEFICIENCY. Identifiers: Orphanet 859, MedGen C0342701, MONDO:0010149, OMIM 275350.
Inborn genetic diseases. Identifiers: MedGen C0950123, MeSH D030342.

Allele frequency attached by ClinVar (database versions not stated): ExAC 0.00001.
gnomAD v4.1: 6 of 1,614,142 alleles (0.00037%); highest among the groups gnomAD compares: South Asian, 0.0055%; no homozygotes.

Submissions (2):

Ambry Genetics
Classification: Uncertain significance for Inborn genetic diseases. Last evaluated: 2024-01-02. Review status: criteria provided, single submitter. Criteria: Ambry Variant Classification Scheme 2023. Collection method: clinical testing. Allele origin: germline.

Labcorp Genetics (formerly Invitae), Labcorp
Classification: Uncertain significance for Transcobalamin II deficiency. Last evaluated: 2021-08-26. Review status: criteria provided, single submitter. Criteria: Invitae Variant Classification Sherloc (09022015). Collection method: clinical testing. Allele origin: germline.
Comment: This sequence change replaces proline with alanine at codon 341 of the TCN2 protein (p.Pro341Ala). The proline residue is moderately conserved and there is a small physicochemical difference between proline and alanine. This variant is present in population databases (rs746722274, ExAC 0.006%). This variant has not been reported in the literature in individuals affected with TCN2-related conditions. Algorithms developed to predict the effect of missense changes on protein structure and function (SIFT, PolyPhen-2, Align-GVGD) all suggest that this variant is likely to be tolerated. In summary, the available evidence is currently insufficient to determine the role of this variant in disease. Therefore, it has been classified as a Variant of Uncertain Significance.